The following is an entry in ClinVar:

ClinVar aggregate classification (germline): Uncertain significance (1 of 4 stars; one submission).

Allele frequency attached by ClinVar (database versions not stated): ExAC 0.00004.
gnomAD v4.1: 41 of 1,614,010 alleles (0.0025%); highest among the groups gnomAD compares: Non-Finnish European, 0.0025%; 1 homozygote.

Submission:

Labcorp Genetics (formerly Invitae), Labcorp
Classification: Uncertain significance. Last evaluated: 2022-07-23. Review status: criteria provided, single submitter. Criteria: Invitae Variant Classification Sherloc (09022015). Collection method: clinical testing. Allele origin: germline.
Comment: This sequence change replaces threonine, which is neutral and polar, with alanine, which is neutral and non-polar, at codon 1944 of the MCM3AP protein (p.Thr1944Ala). This variant is present in population databases (rs761660668, gnomAD 0.006%). This variant has not been reported in the literature in individuals affected with MCM3AP-related conditions. Algorithms developed to predict the effect of missense changes on protein structure and function output the following: SIFT: "Tolerated"; PolyPhen-2: "Benign"; Align-GVGD: "Class C0". The alanine amino acid residue is found in multiple mammalian species, which suggests that this missense change does not adversely affect protein function. In summary, the available evidence is currently insufficient to determine the role of this variant in disease. Therefore, it has been classified as a Variant of Uncertain Significance.

NM_003906.5(MCM3AP):c.5830A>G (p.Thr1944Ala)

Genes: MCM3AP (minichromosome maintenance complex component 3 associated protein; minus strand), MCM3AP-AS1 (MCM3AP antisense RNA 1; plus strand). Cytogenetic location: 21q22.3.
Variant type: single nucleotide variant.
Coding change: c.5830A>G on transcript NM_003906.5 (MANE Select); coding-DNA position 5830, A replaced by G.
Protein change: p.Thr1944Ala; replaces threonine 1944 with alanine.
Molecular consequence: missense variant.
Genome position (GRCh38, 1-based): chr21:46,235,381, T>C on the plus strand (A>G on the coding strand, the complement: MCM3AP is on the minus strand). VCF-style: chr21-46235381-T-C. GRCh37 (hg19) VCF-style: chr21-47655295-T-C.
Other names: short protein forms T1944A.
Identifiers: ClinVar variation 1920261 (VCV001920261.2), dbSNP rs761660668, ClinGen allele CA10075723.